The following is an entry in ClinVar:

ClinVar aggregate classification (germline): Uncertain significance (1 of 4 stars; one submission).

Conditions:
Osteogenesis imperfecta type I (OI1). Also called: Lobstein's Disease; Classic Non-deforming Osteogenesis Imperfecta with Blue Sclerae; Lobstein disease; OI, TYPE I; OSTEOGENESIS IMPERFECTA TARDA; OSTEOGENESIS IMPERFECTA WITH BLUE SCLERAE. Identifiers: Orphanet 216796, Orphanet 666, MedGen C0023931, MONDO:0008146, OMIM 166200. Disease mechanism: loss of function.

Submission:

Labcorp Genetics (formerly Invitae), Labcorp
Classification: Uncertain significance for Osteogenesis imperfecta type I. Last evaluated: 2023-06-30. Review status: criteria provided, single submitter. Criteria: Invitae Variant Classification Sherloc (09022015). Collection method: clinical testing. Allele origin: germline.
Comment: This variant is not present in population databases (gnomAD no frequency). This sequence change replaces serine, which is neutral and polar, with arginine, which is basic and polar, at codon 3 of the COL1A1 protein (p.Ser3Arg). This variant has not been reported in the literature in individuals affected with COL1A1-related conditions. In summary, the available evidence is currently insufficient to determine the role of this variant in disease. Therefore, it has been classified as a Variant of Uncertain Significance. Advanced modeling of protein sequence and biophysical properties (such as structural, functional, and spatial information, amino acid conservation, physicochemical variation, residue mobility, and thermodynamic stability) has been performed at Invitae for this missense variant, however the output from this modeling did not meet the statistical confidence thresholds required to predict the impact of this variant on COL1A1 protein function.

NM_000088.4(COL1A1):c.9C>G (p.Ser3Arg)

Gene: COL1A1 (collagen type I alpha 1 chain; minus strand). Cytogenetic location: 17q21.33.
Variant type: single nucleotide variant.
Coding change: c.9C>G on transcript NM_000088.4 (MANE Select); coding-DNA position 9, C replaced by G.
Protein change: p.Ser3Arg; replaces serine 3 with arginine.
Molecular consequence: missense variant.
Genome position (GRCh38, 1-based): chr17:50,201,505, G>C on the plus strand (C>G on the coding strand, the complement: COL1A1 is on the minus strand). VCF-style: chr17-50201505-G-C. GRCh37 (hg19) VCF-style: chr17-48278866-G-C.
Other names: short protein forms S3R.
Identifiers: ClinVar variation 2867473 (VCV002867473.3), dbSNP rs2509267359, ClinGen allele CA400230548.